The following is an entry in ClinVar:

NM_198253.3(TERT):c.1806G>A (p.Ser602=)

Gene: TERT (telomerase reverse transcriptase; minus strand). Cytogenetic location: 5p15.33.
Variant type: single nucleotide variant.
Coding change: c.1806G>A on transcript NM_198253.3 (MANE Select); coding-DNA position 1806, G replaced by A.
Protein change: p.Ser602=; no amino-acid change (serine 602 retained).
Molecular consequence: synonymous variant. On other transcripts: non-coding transcript variant (2).
Genome position (GRCh38, 1-based): chr5:1,280,302, C>T on the plus strand (G>A on the coding strand, the complement: TERT is on the minus strand). VCF-style: chr5-1280302-C-T. GRCh37 (hg19) VCF-style: chr5-1280417-C-T.
Other names: c.1806G>A, p.Ser602= (NM_001193376.3).
Identifiers: ClinVar variation 772643 (VCV000772643.15), dbSNP rs773873942, ClinGen allele CA3184751.
Genomic context (GRCh38, chr5:1,280,302, plus strand): 5'-GCGGAGTCTGGACGTCAGCAGGGCGGGCCTGGCTTCCCGATGCTGCCTGACCTCTGCTTC[C>T]GACAGCTCCCGCAGCTGCACCCTCTTCAAGTGCTGTCTGCAATAGAGAGCCCCTCAGGAG-3'
Protein context (NP_937983.2, residues 592-612): HLKRVQLREL[Ser602=]EAEVRQHREA

ClinVar aggregate classification (germline): Likely benign. Review status: criteria provided, multiple submitters, no conflicts (2 of 4 stars). 3 submissions from 3 submitters: Likely benign (2). 1 of the submissions does not count toward it. Last evaluated 2025-08-30.

Conditions:
Dyskeratosis congenita, autosomal dominant 2. Identifiers: MedGen C3151443, MONDO:0013521, OMIM 613989.
Idiopathic Pulmonary Fibrosis. Also called: Idiopathic fibrosing alveolitis, chronic form; idiopathic fibrosing alveolitis. Identifiers: Orphanet 2032, MedGen C1800706, MeSH D054990, MONDO:0800504.
Dyskeratosis congenita. Identifiers: Orphanet 1775, MedGen C0265965, MONDO:0015780.
TERT-related disorder. Also called: TERT-related disorders; TERT-related condition.

Allele frequency attached by ClinVar (database versions not stated): gnomAD 0.00001 and 0.00002; gnomAD exomes 0.00001 and 0.00002; TOPMed 0.00001; ExAC 0.00002.
gnomAD v4.1: 14 of 1,613,402 alleles (0.00087%); highest among the groups gnomAD compares: East Asian, 0.0045%; no homozygotes.

Submissions (3):

Labcorp Genetics (formerly Invitae), Labcorp
Classification: Likely benign for Dyskeratosis congenita, autosomal dominant 2; Idiopathic Pulmonary Fibrosis. Last evaluated: 2025-08-30. Review status: criteria provided, single submitter. Criteria: Invitae Variant Classification Sherloc (09022015). Collection method: clinical testing. Allele origin: germline.

Ambry Genetics
Classification: Likely benign for Dyskeratosis congenita. Last evaluated: 2022-08-24. Review status: criteria provided, single submitter. Criteria: Ambry Variant Classification Scheme 2023. Collection method: clinical testing. Allele origin: germline.

PreventionGenetics, part of Exact Sciences
Classification: Likely benign for TERT-related condition. Last evaluated: 2020-08-06. Review status: no assertion criteria provided. Collection method: clinical testing. Allele origin: germline. Not counted in ClinVar's aggregate classification.
Comment: This variant is classified as likely benign based on ACMG/AMP sequence variant interpretation guidelines (Richards et al. 2015 PMID: 25741868, with internal and published modifications).